The following is an entry in ClinVar:

NM_005051.3(QARS1):c.1856T>G (p.Phe619Cys)

Gene: QARS1 (glutaminyl-tRNA synthetase 1; minus strand). Cytogenetic location: 3p21.31.
Variant type: single nucleotide variant.
Coding change: c.1856T>G on transcript NM_005051.3 (MANE Select); coding-DNA position 1856, T replaced by G.
Protein change: p.Phe619Cys; replaces phenylalanine 619 with cysteine.
Molecular consequence: missense variant. On other transcripts: non-coding transcript variant (1).
Genome position (GRCh38, 1-based): chr3:49,098,892, A>C on the plus strand (T>G on the coding strand, the complement: QARS1 is on the minus strand). VCF-style: chr3-49098892-A-C. GRCh37 (hg19) VCF-style: chr3-49136325-A-C.
Other names: c.1823T>G, p.Phe608Cys (NM_001272073.2); short protein forms F608C, F619C.
Identifiers: ClinVar variation 3363291 (VCV003363291.1).

ClinVar aggregate classification (germline): Uncertain significance (1 of 4 stars; one submission).

gnomAD v4.1: 1 of 1,611,918 alleles (0.000062%); highest among the groups gnomAD compares: Non-Finnish European, 0.000085%; no homozygotes.

Submission:

GeneDx
Classification: Uncertain significance. Last evaluated: 2023-10-24. Review status: criteria provided, single submitter. Criteria: GeneDx Variant Classification Process June 2021. Collection method: clinical testing. Allele origin: germline. Affected: yes.
Comment: Not observed at significant frequency in large population cohorts (gnomAD); In silico analysis supports that this missense variant has a deleterious effect on protein structure/function; Has not been previously published as pathogenic or benign to our knowledge; This variant is associated with the following publications: (PMID: 25471517)